The following is an entry in ClinVar:

NM_001253697.2(ERBIN):c.3389G>T (p.Arg1130Leu)

Gene: ERBIN (erbb2 interacting protein; plus strand). Cytogenetic location: 5q12.3.
Variant type: single nucleotide variant.
Coding change: c.3389G>T on transcript NM_001253697.2 (MANE Select); coding-DNA position 3389, G replaced by T.
Protein change: p.Arg1130Leu; replaces arginine 1130 with leucine.
Molecular consequence: missense variant.
Genome position (GRCh38, 1-based): chr5:66,054,707, G>T. VCF-style: chr5-66054707-G-T. GRCh37 (hg19) VCF-style: chr5-65350535-G-T.
Other names: c.3389G>T, p.Arg1130Leu (NM_001006600.3, NM_001253698.2, NM_001253699.2 and 1 more transcripts); c.3377G>T, p.Arg1126Leu (NM_001253701.2); short protein forms R1130L, R1126L.
Identifiers: ClinVar variation 2890491 (VCV002890491.3), dbSNP rs144581883, ClinGen allele CA3286653.
Genomic context (GRCh38, chr5:66,054,707, plus strand): 5'-TCCACTCAGCGGGAAGAACTCCTCCAATGATGCCAGGATCACAGAGACCCCTTTCTGCAC[G>T]AACATACAGCATAGATGGTCCAAATGCATCAAGACCTCAGAGTGCTCGACCCTCTATTAA-3'
Protein context (NP_001240626.1, residues 1120-1140): MPGSQRPLSA[Arg1130Leu]TYSIDGPNAS

ClinVar aggregate classification (germline): Uncertain significance (1 of 4 stars; one submission).

Allele frequency attached by ClinVar (database versions not stated): 1000 Genomes Project 30x 0.00031; 1000 Genomes Project 0.00040.
gnomAD v4.1: 199 of 1,614,044 alleles (0.012%); highest among the groups gnomAD compares: East Asian, 0.44%; 2 homozygotes.

Submission:

Labcorp Genetics (formerly Invitae), Labcorp
Classification: Uncertain significance. Last evaluated: 2025-11-15. Review status: criteria provided, single submitter. Criteria: Invitae Variant Classification Sherloc (09022015). Collection method: clinical testing. Allele origin: germline.
Comment: This sequence change replaces arginine, which is basic and polar, with leucine, which is neutral and non-polar, at codon 1130 of the ERBIN protein (p.Arg1130Leu). This variant is present in population databases (rs144581883, gnomAD 0.05%). This variant has not been reported in the literature in individuals affected with ERBIN-related conditions. ClinVar contains an entry for this variant (Variation ID: 2890491). An algorithm developed to predict the effect of missense changes on protein structure and function (PolyPhen-2) suggests that this variant is likely to be disruptive. In summary, the available evidence is currently insufficient to determine the role of this variant in disease. Therefore, it has been classified as a Variant of Uncertain Significance.